The following is an entry in ClinVar:

NM_138295.5(PKD1L1):c.3664-9G>A

Gene: PKD1L1 (polycystin 1 like 1, transient receptor potential channel interacting; minus strand). Cytogenetic location: 7p12.3.
Variant type: single nucleotide variant.
Coding change: c.3664-9G>A on transcript NM_138295.5 (MANE Select); 9 bases into the intron before coding-DNA position 3664, G replaced by A.
Molecular consequence: intron variant.
Genome position (GRCh38, 1-based): chr7:47,876,226, C>T on the plus strand (G>A on the coding strand, the complement: PKD1L1 is on the minus strand). VCF-style: chr7-47876226-C-T. GRCh37 (hg19) VCF-style: chr7-47915824-C-T.
Identifiers: ClinVar variation 3381690 (VCV003381690.3).
Genomic context (GRCh38, chr7:47,876,226, plus strand): 5'-AAGTGTGTTTGGAGGTGTTTCCTATCTGGTAACTAAATTCATAATGGAAGTCCTATGATC[C>T]AGTCCAAGGGAGCAAAAATAGTATAAATGAACACACTGTGAATGATATCACAATACATAC-3'

ClinVar aggregate classification (germline): Uncertain significance (1 of 4 stars; one submission).

gnomAD v4.1: 94 of 1,613,404 alleles (0.0058%); highest among the groups gnomAD compares: Non-Finnish European, 0.0077%; no homozygotes.

Submission:

GeneDx
Classification: Uncertain significance. Last evaluated: 2026-09-27. Review status: criteria provided, single submitter. Criteria: GeneDx Variant Classification Process June 2021. Collection method: clinical testing. Allele origin: germline.
Comment: In silico analysis supports a deleterious effect on splicing; Has not been previously published as pathogenic or benign to our knowledge